The following is an entry in ClinVar:

ClinVar aggregate classification (germline): Benign/Likely benign. Review status: criteria provided, multiple submitters, no conflicts (2 of 4 stars). 14 submissions from 14 submitters: Benign (10); Likely benign (1). 3 of the submissions do not count toward it. Last evaluated 2026-05-09.

Conditions:
Connective tissue disorder. Also called: Connective tissue disease. Identifiers: MedGen C0009782, MONDO:0003900.
Stickler syndrome. Identifiers: Orphanet 828, MedGen C0265253, MONDO:0019354.
Intervertebral disc disease, susceptibility to. Identifiers: MedGen C4015963.

Allele frequency attached by ClinVar (database versions not stated): gnomAD 0.04498 and 0.04577; gnomAD exomes 0.04745 and 0.06126; ExAC 0.04787; 1000 Genomes Project 0.02196; 1000 Genomes Project 30x 0.02217; TOPMed 0.03915.
gnomAD v4.1: 95,515 of 1,612,252 alleles (5.9%); highest among the groups gnomAD compares: Non-Finnish European, 6.8%; 3,307 homozygotes.

Submissions (32):

Women's Health and Genetics/Laboratory Corporation of America, LabCorp
Classification: Likely benign. Last evaluated: 2026-05-09. Review status: criteria provided, single submitter. Criteria: LabCorp Variant Classification Summary - May 2015. Collection method: clinical testing. Allele origin: germline.

Labcorp Genetics (formerly Invitae), Labcorp
Classification: Benign. Last evaluated: 2026-02-04. Review status: criteria provided, single submitter. Criteria: Invitae Variant Classification Sherloc (09022015). Collection method: clinical testing. Allele origin: germline.

Blueprint Genetics
Classification: Benign. Last evaluated: 2024-11-27. Review status: criteria provided, single submitter. Criteria: ACMG Guidelines, 2015. Collection method: clinical testing. Allele origin: germline.

Department of Pathology and Laboratory Medicine, Sinai Health System
Classification: Benign for Stickler syndrome. Last evaluated: 2023-04-17. Review status: criteria provided, single submitter. Criteria: ACMG Guidelines, 2015. Collection method: research. Allele origin: germline.

Genome Diagnostics Laboratory, The Hospital for Sick Children
Classification: Benign for Connective tissue disorder. Last evaluated: 2022-07-18. Review status: criteria provided, single submitter. Criteria: ACMG Guidelines, 2015. Collection method: clinical testing. Allele origin: germline.

Mayo Clinic Laboratories, Mayo Clinic
Classification: Benign. Last evaluated: 2020-12-09. Review status: criteria provided, single submitter. Criteria: ACMG Guidelines, 2015. Collection method: clinical testing. Allele origin: germline. Observed: 21 variant alleles.

GeneDx
Classification: Benign. Last evaluated: 2018-06-05. Review status: criteria provided, single submitter. Criteria: GeneDx Variant Classification (06012015). Collection method: clinical testing. Allele origin: germline. Affected: yes.
Comment: This variant is considered likely benign or benign based on one or more of the following criteria: it is a conservative change, it occurs at a poorly conserved position in the protein, it is predicted to be benign by multiple in silico algorithms, and/or has population frequency not consistent with disease.

Eurofins Ntd Llc (ga)
Classification: Benign. Last evaluated: 2015-02-05. Review status: criteria provided, single submitter. Criteria: EGL Classification Definitions 2015. Collection method: clinical testing. Allele origin: germline. Observed: 1 variant allele, 1 heterozygote.

Genomic Diagnostic Laboratory, Division of Genomic Diagnostics, Children's Hospital of Philadelphia
Classification: Benign. Last evaluated: 2015-02-05. Review status: criteria provided, single submitter. Criteria: DGD Variant Analysis Guidelines. Collection method: clinical testing. Allele origin: unknown.

Breakthrough Genomics
Classification: Benign. Review status: criteria provided, single submitter. Criteria: ACMG Guidelines, 2015. Collection method: not provided. Allele origin: germline. Inheritance: Autosomal recessive inheritance. Affected: yes.

PreventionGenetics, part of Exact Sciences
Classification: Benign. Review status: criteria provided, single submitter. Criteria: ACMG Guidelines, 2015. Collection method: clinical testing. Allele origin: germline.

OMIM
Classification: risk factor for INTERVERTEBRAL DISC DISEASE, SUSCEPTIBILITY TO. Last evaluated: 2001-04-11. Review status: no assertion criteria provided. Collection method: literature only. Allele origin: germline. Not counted in ClinVar's aggregate classification.

Clinical Genetics DNA and cytogenetics Diagnostics Lab, Erasmus MC, Erasmus Medical Center
Classification: Benign. Review status: no assertion criteria provided. Collection method: clinical testing. Allele origin: germline. Affected: yes. Study: VKGL Data-share Consensus. Not counted in ClinVar's aggregate classification.

Dr. Peter K. Rogan Lab, Western University
No classification provided (evidence only). Condition: Colon adenocarcinoma. Review status: no classification provided. Collection method: in vitro. Allele origin: not applicable. Functional consequence: retained intron. Not counted in ClinVar's aggregate classification.

Dr. Peter K. Rogan Lab, Western University
No classification provided (evidence only). Condition: Colon adenocarcinoma. Review status: no classification provided. Collection method: in vitro. Allele origin: not applicable. Functional consequence: retained intron. Not counted in ClinVar's aggregate classification.

Dr. Peter K. Rogan Lab, Western University
No classification provided (evidence only). Condition: Colon adenocarcinoma. Review status: no classification provided. Collection method: in vitro. Allele origin: not applicable. Functional consequence: retained intron. Not counted in ClinVar's aggregate classification.

Dr. Peter K. Rogan Lab, Western University
No classification provided (evidence only). Condition: Colorectal cancer. Review status: no classification provided. Collection method: in vitro. Allele origin: not applicable. Functional consequence: retained intron. Not counted in ClinVar's aggregate classification.

Dr. Peter K. Rogan Lab, Western University
No classification provided (evidence only). Condition: Uterine corpus endometrial carcinoma. Review status: no classification provided. Collection method: in vitro. Allele origin: not applicable. Functional consequence: retained intron. Not counted in ClinVar's aggregate classification.

Dr. Peter K. Rogan Lab, Western University
No classification provided (evidence only). Condition: Uterine corpus endometrial carcinoma. Review status: no classification provided. Collection method: in vitro. Allele origin: not applicable. Functional consequence: retained intron. Not counted in ClinVar's aggregate classification.

Dr. Peter K. Rogan Lab, Western University
No classification provided (evidence only). Condition: Thymoma. Review status: no classification provided. Collection method: in vitro. Allele origin: not applicable. Functional consequence: retained intron. Not counted in ClinVar's aggregate classification.

Dr. Peter K. Rogan Lab, Western University
No classification provided (evidence only). Condition: Thymoma. Review status: no classification provided. Collection method: in vitro. Allele origin: not applicable. Functional consequence: retained intron. Not counted in ClinVar's aggregate classification.

Dr. Peter K. Rogan Lab, Western University
No classification provided (evidence only). Condition: Thymoma. Review status: no classification provided. Collection method: in vitro. Allele origin: not applicable. Functional consequence: retained intron. Not counted in ClinVar's aggregate classification.

Dr. Peter K. Rogan Lab, Western University
No classification provided (evidence only). Condition: Thymoma. Review status: no classification provided. Collection method: in vitro. Allele origin: not applicable. Functional consequence: retained intron. Not counted in ClinVar's aggregate classification.

Dr. Peter K. Rogan Lab, Western University
No classification provided (evidence only). Condition: Thymoma. Review status: no classification provided. Collection method: in vitro. Allele origin: not applicable. Functional consequence: retained intron. Not counted in ClinVar's aggregate classification.

Dr. Peter K. Rogan Lab, Western University
No classification provided (evidence only). Condition: Cholangiocarcinoma. Review status: no classification provided. Collection method: in vitro. Allele origin: not applicable. Functional consequence: retained intron. Not counted in ClinVar's aggregate classification.

Dr. Peter K. Rogan Lab, Western University
No classification provided (evidence only). Condition: Adrenocortical carcinoma, hereditary. Review status: no classification provided. Collection method: in vitro. Allele origin: not applicable. Functional consequence: retained intron. Not counted in ClinVar's aggregate classification.

Dr. Peter K. Rogan Lab, Western University
No classification provided (evidence only). Condition: Uterine carcinosarcoma. Review status: no classification provided. Collection method: in vitro. Allele origin: not applicable. Functional consequence: retained intron. Not counted in ClinVar's aggregate classification.

Dr. Peter K. Rogan Lab, Western University
No classification provided (evidence only). Condition: Uterine carcinosarcoma. Review status: no classification provided. Collection method: in vitro. Allele origin: not applicable. Functional consequence: retained intron. Not counted in ClinVar's aggregate classification.

Dr. Peter K. Rogan Lab, Western University
No classification provided (evidence only). Condition: Uterine carcinosarcoma. Review status: no classification provided. Collection method: in vitro. Allele origin: not applicable. Functional consequence: retained intron. Not counted in ClinVar's aggregate classification.

Dr. Peter K. Rogan Lab, Western University
No classification provided (evidence only). Condition: Uveal melanoma. Review status: no classification provided. Collection method: in vitro. Allele origin: not applicable. Functional consequence: retained intron. Not counted in ClinVar's aggregate classification.

Dr. Peter K. Rogan Lab, Western University
No classification provided (evidence only). Condition: Uveal melanoma. Review status: no classification provided. Collection method: in vitro. Allele origin: not applicable. Functional consequence: retained intron. Not counted in ClinVar's aggregate classification.

Genome Diagnostics Laboratory, Amsterdam University Medical Center
Classification: Benign. Review status: no assertion criteria provided. Collection method: clinical testing. Allele origin: germline. Affected: yes. Study: VKGL Data-share Consensus. Not counted in ClinVar's aggregate classification.

Literature cited by the submitters: PubMed 11308397 (cited by OMIM).

NM_001853.4(COL9A3):c.307C>T (p.Arg103Trp)

Gene: COL9A3 (collagen type IX alpha 3 chain; plus strand). Cytogenetic location: 20q13.33.
Variant type: single nucleotide variant.
Coding change: c.307C>T on transcript NM_001853.4 (MANE Select); coding-DNA position 307, C replaced by T.
Protein change: p.Arg103Trp; replaces arginine 103 with tryptophan.
Molecular consequence: missense variant.
Genome position (GRCh38, 1-based): chr20:62,819,980, C>T. VCF-style: chr20-62819980-C-T. GRCh37 (hg19) VCF-style: chr20-61451332-C-T.
Other names: c.307C>T, p.Arg103Trp (LRG_1253t1); short protein forms R103W.
Identifiers: ClinVar variation 17139 (VCV000017139.26), dbSNP rs61734651, ClinGen allele CA127103.
Genomic context (GRCh38, chr20:62,819,980, plus strand): 5'-TCTCCCCAGGGTCTGACTGGACGAGATGGACCCCCTGGACCCAAGGGTGCCCCTGGGGAA[C>T]GGGTAAGTGCCTGCGCCGAACCCAGTGGCTTGGGTTCAGAGGTGAGGTCCCCTGGCCACC-3'
Protein context (NP_001844.3, residues 93-113): PPGPKGAPGE[Arg103Trp]GSLGPPGPPG